The following is an entry in ClinVar:

NM_201384.3(PLEC):c.2308G>A (p.Glu770Lys)

Gene: PLEC (plectin; minus strand). Cytogenetic location: 8q24.3.
Variant type: single nucleotide variant.
Coding change: c.2308G>A on transcript NM_201384.3 (MANE Select); coding-DNA position 2308, G replaced by A.
Protein change: p.Glu770Lys; replaces glutamic acid 770 with lysine.
Molecular consequence: missense variant.
Genome position (GRCh38, 1-based): chr8:143,930,533, C>T on the plus strand (G>A on the coding strand, the complement: PLEC is on the minus strand). VCF-style: chr8-143930533-C-T. GRCh37 (hg19) VCF-style: chr8-145004701-C-T.
Other names: c.2389G>A, p.Glu797Lys (NM_000445.5); c.2266G>A, p.Glu756Lys (NM_201378.4); c.2242G>A, p.Glu748Lys (NM_201379.3); c.2719G>A, p.Glu907Lys (NM_201380.4); c.2212G>A, p.Glu738Lys (NM_201381.3); c.2308G>A, p.Glu770Lys (NM_201382.4); c.2320G>A, p.Glu774Lys (NM_201383.3); short protein forms E738K, E748K, E770K, E774K, E907K, E756K, E797K.
Identifiers: ClinVar variation 639499 (VCV000639499.10), dbSNP rs369133057, ClinGen allele CA4927571.

ClinVar aggregate classification (germline): Uncertain significance. Review status: criteria provided, multiple submitters, no conflicts (2 of 4 stars). 2 submissions from 2 submitters: Uncertain significance (2). Last evaluated 2026-01-19.

Conditions:
Epidermolysis bullosa simplex 5C, with pyloric atresia (EBS5C). Also called: PLEC-Related Epidermolysis Bullosa with Pyloric Atresia; Epidermolysis bullosa simplex with pyloric atresia; PLEC1-Related Epidermolysis Bullosa with Pyloric Atresia. Identifiers: Orphanet 158684, MedGen C2677349, MONDO:0012807, OMIM 612138.
Epidermolysis bullosa simplex 5B, with muscular dystrophy (EBS5B). Also called: EPIDERMOLYSIS BULLOSA SIMPLEX AND LIMB-GIRDLE MUSCULAR DYSTROPHY; Epidermolysis bullosa simplex with muscular dystrophy. Identifiers: Orphanet 257, MedGen C2931072, MONDO:0009181, OMIM 226670.
Autosomal recessive limb-girdle muscular dystrophy type 2Q (LGMDR17). Also called: MUSCULAR DYSTROPHY, LIMB-GIRDLE, AUTOSOMAL RECESSIVE 17. Identifiers: Orphanet 254361, MedGen C3150989, MONDO:0013390, OMIM 613723.
Epidermolysis bullosa simplex with nail dystrophy (EBS5D). Identifiers: MedGen C4225309, MONDO:0014661, OMIM 616487.
Epidermolysis bullosa simplex, Ogna type (EBS5A). Also called: Pidermolysis bullosa simplex 5A, Ogna type; EPIDERMOLYSIS BULLOSA SIMPLEX 5A, OGNA TYPE. Identifiers: Orphanet 79401, MedGen C0432317, MONDO:0007555, OMIM 131950.

Allele frequency attached by ClinVar (database versions not stated): gnomAD 0.00001 and 0.00005; TOPMed 0.00003; ESP Exome Variant Server 0.00008; gnomAD exomes 0.00008; ExAC 0.00036; 1000 Genomes Project 30x 0.00047; 1000 Genomes Project 0.00060.
gnomAD v4.1: 119 of 1,589,938 alleles (0.0075%); highest among the groups gnomAD compares: South Asian, 0.085%; 1 homozygote.

Submissions (2):

Labcorp Genetics (formerly Invitae), Labcorp
Classification: Uncertain significance for Autosomal recessive limb-girdle muscular dystrophy type 2Q; Epidermolysis bullosa simplex, Ogna type; Epidermolysis bullosa simplex with nail dystrophy; Epidermolysis bullosa simplex 5C, with pyloric atresia; Epidermolysis bullosa simplex 5B, with muscular dystrophy. Last evaluated: 2026-01-19. Review status: criteria provided, single submitter. Criteria: Invitae Variant Classification Sherloc (09022015). Collection method: clinical testing. Allele origin: germline.
Comment: This sequence change replaces glutamic acid, which is acidic and polar, with lysine, which is basic and polar, at codon 797 of the PLEC protein (p.Glu797Lys). This variant is present in population databases (rs369133057, gnomAD 0.1%). This variant has not been reported in the literature in individuals affected with PLEC-related conditions. ClinVar contains an entry for this variant (Variation ID: 639499). Invitae Evidence Modeling of protein sequence and biophysical properties (such as structural, functional, and spatial information, amino acid conservation, physicochemical variation, residue mobility, and thermodynamic stability) has been performed for this missense variant. However, the output from this modeling did not meet the statistical confidence thresholds required to predict the impact of this variant on PLEC protein function. In summary, the available evidence is currently insufficient to determine the role of this variant in disease. Therefore, it has been classified as a Variant of Uncertain Significance.

Revvity Omics, Revvity
Classification: Uncertain significance. Last evaluated: 2019-09-28. Review status: criteria provided, single submitter. Criteria: ACMG Guidelines, 2015. Collection method: clinical testing. Allele origin: germline.